The following is an entry in ClinVar:

NM_001040142.2(SCN2A):c.544_546delinsAAG (p.Glu182Lys)

Gene: SCN2A (sodium voltage-gated channel alpha subunit 2; plus strand). Cytogenetic location: 2q24.3.
Variant type: Indel.
Coding change: c.544_546delinsAAG on transcript NM_001040142.2 (MANE Select); coding-DNA positions 544 to 546, GAA replaced by AAG.
Protein change: p.Glu182Lys; replaces glutamic acid 182 with lysine.
Molecular consequence: missense variant.
Genome position (GRCh38, 1-based): chr2:165,308,733-165,308,735, GAA replaced by AAG. VCF-style: chr2-165308733-GAA-AAG. GRCh37 (hg19) VCF-style: chr2-166165243-GAA-AAG.
Other names: c.544_546delinsAAG, p.Glu182Lys (NM_001040143.2, NM_001371246.1, NM_001371247.1 and 1 more transcripts); short protein forms E182K.
Identifiers: ClinVar variation 1691210 (VCV001691210.2), dbSNP rs2105243388, ClinGen allele CA2573133600.

ClinVar aggregate classification (germline): Uncertain significance (1 of 4 stars; one submission).

Submission:

GeneDx
Classification: Uncertain significance. Last evaluated: 2021-12-04. Review status: criteria provided, single submitter. Criteria: GeneDx Variant Classification Process June 2021. Collection method: clinical testing. Allele origin: germline. Affected: yes.
Comment: Not observed at significant frequency in large population cohorts (gnomAD); In silico analysis supports that this variant does not alter protein structure/function; Has not been previously published as pathogenic or benign to our knowledge; This substitution is predicted to be within the intracellular loop between the S2 and S3 transmembrane segments of the first homologous domain